The following is an entry in ClinVar:

ClinVar aggregate classification (germline): Conflicting classifications of pathogenicity. Review status: criteria provided, conflicting classifications (1 of 4 stars). 3 submissions from 3 submitters: Uncertain significance (1); Likely benign (2). Last evaluated 2023-11-03.

Conditions:
Inborn genetic diseases. Identifiers: MedGen C0950123, MeSH D030342.

Allele frequency attached by ClinVar (database versions not stated): TOPMed below 0.00001; gnomAD 0.00001; ExAC 0.00002; gnomAD exomes 0.00004.
gnomAD v4.1: 22 of 1,614,012 alleles (0.0014%); highest among the groups gnomAD compares: Non-Finnish European, 0.0019%; no homozygotes.

Submissions (3):

Blueprint Genetics
Classification: Likely benign. Last evaluated: 2023-11-03. Review status: criteria provided, single submitter. Criteria: ACMG Guidelines, 2015. Collection method: clinical testing. Allele origin: germline.

Ambry Genetics
Classification: Uncertain significance for Inborn genetic diseases. Last evaluated: 2023-06-13. Review status: criteria provided, single submitter. Criteria: Ambry Variant Classification Scheme 2023. Collection method: clinical testing. Allele origin: germline.
Comment: The c.4726-5T>C intronic alteration consists of a T to C substitution 5 nucleotides after coding exon 36 in the MYO5A gene. Based on insufficient or conflicting evidence, the clinical significance of this alteration remains unclear.

Labcorp Genetics (formerly Invitae), Labcorp
Classification: Likely benign. Last evaluated: 2021-08-14. Review status: criteria provided, single submitter. Criteria: Invitae Variant Classification Sherloc (09022015). Collection method: clinical testing. Allele origin: germline.

NM_001382347.1(MYO5A):c.4801-5T>C

Gene: MYO5A (myosin VA; minus strand). Cytogenetic location: 15q21.2.
Variant type: single nucleotide variant.
Coding change: c.4801-5T>C on transcript NM_001382347.1 (MANE Select); 5 bases into the intron before coding-DNA position 4801, T replaced by C.
Molecular consequence: intron variant.
Genome position (GRCh38, 1-based): chr15:52,321,514, A>G on the plus strand (T>C on the coding strand, the complement: MYO5A is on the minus strand). VCF-style: chr15-52321514-A-G. GRCh37 (hg19) VCF-style: chr15-52613711-A-G.
Other names: c.4726-5T>C (NM_000259.3); c.4645-5T>C (NM_001142495.2); c.4798-5T>C (NM_001382349.1); c.4873-5T>C (NM_001382348.1).
Identifiers: ClinVar variation 1590619 (VCV001590619.10), dbSNP rs768445814, ClinGen allele CA7568015.
Genomic context (GRCh38, chr15:52,321,514, plus strand): 5'-TCAAAATTGGTGAGGCAGTGTTCATTCTGGCGAGATGTGTTGTGCTTCATAAAGCCCTAG[A>G]GTCATAAGGCAAAGTTAATGATACACATGAAGTAACCTGTCTCTTCAGTTTAACTATCTC-3'